The following is an entry in ClinVar:

ClinVar aggregate classification (germline): Benign/Likely benign. Review status: criteria provided, multiple submitters, no conflicts (2 of 4 stars). 7 submissions from 7 submitters: Benign (4); Likely benign (2). 1 of the submissions does not count toward it. Last evaluated 2026-02-02.

Conditions:
Parkinsonian-pyramidal syndrome. Also called: PALLIDOPYRAMIDAL SYNDROME; PARKINSON DISEASE 15, AUTOSOMAL RECESSIVE EARLY-ONSET; PARKINSON DISEASE 15, AUTOSOMAL RECESSIVE. Identifiers: Orphanet 171695, MedGen C1850100, MONDO:0009830, OMIM 260300.

Allele frequency attached by ClinVar (database versions not stated): 1000 Genomes Project 30x 0.01296; 1000 Genomes Project 0.01298; TOPMed 0.02657; gnomAD 0.03195 and 0.03327; ExAC 0.03347; ESP Exome Variant Server 0.03360; gnomAD exomes 0.03379 and 0.04190.
gnomAD v4.1: 65,684 of 1,614,148 alleles (4.1%); highest among the groups gnomAD compares: Non-Finnish European, 4.7%; 1,625 homozygotes.

Submissions (7):

Labcorp Genetics (formerly Invitae), Labcorp
Classification: Benign for Parkinsonian-pyramidal syndrome. Last evaluated: 2026-02-02. Review status: criteria provided, single submitter. Criteria: Invitae Variant Classification Sherloc (09022015). Collection method: clinical testing. Allele origin: germline.

Mayo Clinic Laboratories, Mayo Clinic
Classification: Benign. Last evaluated: 2023-02-10. Review status: criteria provided, single submitter. Criteria: ACMG Guidelines, 2015. Collection method: clinical testing. Allele origin: germline. Observed: 42 variant alleles.
Comment: BA1, BP4, BP7

GeneDx
Classification: Benign. Last evaluated: 2018-09-21. Review status: criteria provided, single submitter. Criteria: GeneDx Variant Classification Process June 2021. Collection method: clinical testing. Allele origin: germline. Affected: yes.
Comment: This variant is associated with the following publications: (PMID: 27861377)

Illumina Laboratory Services, Illumina
Classification: Likely benign for Parkinsonian-pyramidal syndrome. Last evaluated: 2018-01-12. Review status: criteria provided, single submitter. Criteria: ICSL Variant Classification Criteria 13 December 2019. Collection method: clinical testing. Allele origin: germline.
Comment: This variant was observed in the ICSL laboratory as part of a predisposition screen in an ostensibly healthy population. It had not been previously curated by ICSL or reported in the Human Gene Mutation Database (HGMD: prior to June 1st, 2018), and was therefore a candidate for classification through an automated scoring system. Utilizing variant allele frequency, disease prevalence and penetrance estimates, and inheritance mode, an automated score was calculated to assess if this variant is too frequent to cause the disease. Based on the score and internal cut-off values, a variant classified as likely benign is not then subjected to further curation. The score for this variant resulted in a classification of likely benign for this disease.

Clinical Genetics DNA and cytogenetics Diagnostics Lab, Erasmus MC, Erasmus Medical Center
Classification: Benign for Parkinsonian-pyramidal syndrome. Last evaluated: 2015-09-21. Review status: criteria provided, single submitter. Criteria: ACGS Guidelines, 2013. Collection method: clinical testing. Allele origin: germline. Affected: yes. Study: VKGL Data-share Consensus.

Breakthrough Genomics
Classification: Likely benign. Review status: criteria provided, single submitter. Criteria: ACMG Guidelines, 2015. Collection method: not provided. Allele origin: germline. Inheritance: Autosomal recessive inheritance. Affected: yes.

Genome Diagnostics Laboratory, Amsterdam University Medical Center
Classification: Likely benign for Parkinsonian-pyramidal syndrome. Last evaluated: 2016-07-21. Review status: no assertion criteria provided. Criteria: ACGS Guidelines, 2013. Collection method: clinical testing. Allele origin: germline. Affected: yes. Study: VKGL Data-share Consensus. Not counted in ClinVar's aggregate classification.

Literature cited by the submitters: PubMed 27861377 (cited by Mayo Clinic Laboratories, Mayo Clinic).

NM_012179.4(FBXO7):c.540A>G (p.Pro180=)

Gene: FBXO7 (F-box protein 7; plus strand). Cytogenetic location: 22q12.3.
Variant type: single nucleotide variant.
Coding change: c.540A>G on transcript NM_012179.4 (MANE Select); coding-DNA position 540, A replaced by G.
Protein change: p.Pro180=; no amino-acid change (proline 180 retained).
Molecular consequence: synonymous variant.
Genome position (GRCh38, 1-based): chr22:32,484,019, A>G. VCF-style: chr22-32484019-A-G. GRCh37 (hg19) VCF-style: chr22-32880006-A-G.
Other names: p.Pro180=; c.303A>G, p.Pro101= (NM_001033024.2); c.198A>G, p.Pro66= (NM_001257990.2).
Identifiers: ClinVar variation 341311 (VCV000341311.22), dbSNP rs41311141, ClinGen allele CA10201452.